The following is an entry in ClinVar:

ClinVar aggregate classification (germline): Uncertain significance. Review status: criteria provided, multiple submitters, no conflicts (2 of 4 stars). 2 submissions from 2 submitters: Uncertain significance (2). Last evaluated 2025-08-29.

Conditions:
Monosomy 7 myelodysplasia and leukemia syndrome 1. Also called: Familial Mosaic Monosomy 7 Syndrome; Monosomy 7 of bone marrow; CHROMOSOME 7q DELETION. Identifiers: MedGen C1854978, MONDO:0009646, OMIM 252270.

Allele frequency attached by ClinVar (database versions not stated): TOPMed 0.00001; ExAC 0.00002; gnomAD 0.00001; gnomAD exomes 0.00001; ESP Exome Variant Server 0.00008; 1000 Genomes Project 30x 0.00016; 1000 Genomes Project 0.00020.
gnomAD v4.1: 13 of 1,611,570 alleles (0.00081%); highest among the groups gnomAD compares: South Asian, 0.0011%; no homozygotes.

Submissions (2):

Labcorp Genetics (formerly Invitae), Labcorp
Classification: Uncertain significance. Last evaluated: 2025-08-29. Review status: criteria provided, single submitter. Criteria: Invitae Variant Classification Sherloc (09022015). Collection method: clinical testing. Allele origin: germline.
Comment: This sequence change replaces arginine, which is basic and polar, with glutamine, which is neutral and polar, at codon 828 of the SAMD9L protein (p.Arg828Gln). This variant is present in population databases (rs148587013, gnomAD 0.01%). This missense change has been observed in individual(s) with myelodysplastic syndrome (PMID: 34621053). ClinVar contains an entry for this variant (Variation ID: 2577890). Invitae Evidence Modeling of protein sequence and biophysical properties (such as structural, functional, and spatial information, amino acid conservation, physicochemical variation, residue mobility, and thermodynamic stability) indicates that this missense variant is not expected to disrupt SAMD9L protein function with a negative predictive value of 80%. Experimental studies have shown that this missense change does not substantially affect SAMD9L function (PMID: 34621053). In summary, the available evidence is currently insufficient to determine the role of this variant in disease. Therefore, it has been classified as a Variant of Uncertain Significance.

St. Jude Molecular Pathology, St. Jude Children's Research Hospital
Classification: Uncertain significance for Monosomy 7 myelodysplasia and leukemia syndrome 1. Last evaluated: 2023-08-30. Review status: criteria provided, single submitter. Criteria: St. Jude Assertion Criteria 2020. Collection method: clinical testing. Allele origin: germline.
Comment: The SAMD9L c.2483G>A (p.Arg828Gln) missense change has a maximum founder subpopulation frequency of 0.01% and a maximum non-founder subpopulation frequency of 0.006% in gnomAD v2.1.1. The in silico tool REVEL predicts a benign effect on protein function, but this prediction has not been confirmed by functional studies. In silico predictions have not been found to correlate with syndromic risk and are not considered supporting evidence of a pathogenic or benign effect (PMID: 34621053). This variant has been reported in individuals with myelodysplastic syndrome (PMID: 34621053). In summary, the evidence currently available is insufficient to determine the clinical significance of this variant. It has therefore been classified as of uncertain significance.

Literature cited by the submitters: PubMed 34621053 (cited by Labcorp Genetics (formerly Invitae), Labcorp).

NM_152703.5(SAMD9L):c.2483G>A (p.Arg828Gln)

Gene: SAMD9L (sterile alpha motif domain containing 9 like; minus strand). Cytogenetic location: 7q21.2.
Variant type: single nucleotide variant.
Coding change: c.2483G>A on transcript NM_152703.5 (MANE Select); coding-DNA position 2483, G replaced by A.
Protein change: p.Arg828Gln; replaces arginine 828 with glutamine.
Molecular consequence: missense variant.
Genome position (GRCh38, 1-based): chr7:93,133,489, C>T on the plus strand (G>A on the coding strand, the complement: SAMD9L is on the minus strand). VCF-style: chr7-93133489-C-T. GRCh37 (hg19) VCF-style: chr7-92762802-C-T.
Other names: c.2483G>A, p.Arg828Gln (NM_001303498.3, NM_001303500.3, NM_001350082.2 and 5 more transcripts); short protein forms R828Q.
Identifiers: ClinVar variation 2577890 (VCV002577890.4), dbSNP rs148587013, ClinGen allele CA4343580.